The following is an entry in ClinVar:

NM_130384.3(ATRIP):c.632G>A (p.Arg211Gln)

Genes: ATRIP (ATR interacting protein; plus strand), ATRIP-TREX1 (ATRIP-TREX1 readthrough; plus strand). Cytogenetic location: 3p21.31.
Variant type: single nucleotide variant.
Coding change: c.632G>A on transcript NM_130384.3 (MANE Select); coding-DNA position 632, G replaced by A.
Protein change: p.Arg211Gln; replaces arginine 211 with glutamine.
Molecular consequence: missense variant. On other transcripts: non-coding transcript variant (1).
Genome position (GRCh38, 1-based): chr3:48,454,379, G>A. VCF-style: chr3-48454379-G-A. GRCh37 (hg19) VCF-style: chr3-48495779-G-A.
Other names: c.251G>A, p.Arg84Gln (NM_001271022.2); c.353G>A, p.Arg118Gln (NM_001271023.2); c.632G>A, p.Arg211Gln (NM_032166.4); c.632G>A (NM_130384.1); short protein forms R118Q, R84Q, R211Q.
Identifiers: ClinVar variation 2905410 (VCV002905410.4), dbSNP rs370096586, ClinGen allele CA2376017.

ClinVar aggregate classification (germline): Uncertain significance. Review status: criteria provided, multiple submitters, no conflicts (2 of 4 stars). 2 submissions from 2 submitters: Uncertain significance (2). Last evaluated 2024-11-21.

Allele frequency attached by ClinVar (database versions not stated): ExAC 0.00002; gnomAD exomes 0.00002; TOPMed 0.00004; gnomAD 0.00005; ESP Exome Variant Server 0.00008.

Submissions (2):

Ambry Genetics
Classification: Uncertain significance. Last evaluated: 2024-11-21. Review status: criteria provided, single submitter. Criteria: Ambry Variant Classification Scheme 2023. Collection method: clinical testing. Allele origin: germline.
Comment: The p.R211Q variant (also known as c.632G>A), located in coding exon 4 of the ATRIP gene, results from a G to A substitution at nucleotide position 632. The arginine at codon 211 is replaced by glutamine, an amino acid with highly similar properties. This amino acid position is conserved. In addition, this alteration is predicted to be tolerated by in silico analysis. Based on the available evidence, the clinical significance of this variant remains unclear.

Labcorp Genetics (formerly Invitae), Labcorp
Classification: Uncertain significance. Last evaluated: 2024-08-30. Review status: criteria provided, single submitter. Criteria: Invitae Variant Classification Sherloc (09022015). Collection method: clinical testing. Allele origin: germline.
Comment: This sequence change replaces arginine, which is basic and polar, with glutamine, which is neutral and polar, at codon 211 of the ATRIP protein (p.Arg211Gln). This variant is present in population databases (rs370096586, gnomAD 0.01%). This variant has not been reported in the literature in individuals affected with ATRIP-related conditions. An algorithm developed to predict the effect of missense changes on protein structure and function (PolyPhen-2) suggests that this variant is likely to be disruptive. In summary, the available evidence is currently insufficient to determine the role of this variant in disease. Therefore, it has been classified as a Variant of Uncertain Significance.